The following is an entry in ClinVar:

NM_006904.7(PRKDC):c.3542C>G (p.Thr1181Arg)

Gene: PRKDC (protein kinase, DNA-activated, catalytic subunit; minus strand). Cytogenetic location: 8q11.21.
Variant type: single nucleotide variant.
Coding change: c.3542C>G on transcript NM_006904.7 (MANE Select); coding-DNA position 3542, C replaced by G.
Protein change: p.Thr1181Arg; replaces threonine 1181 with arginine.
Molecular consequence: missense variant.
Genome position (GRCh38, 1-based): chr8:47,897,217, G>C on the plus strand (C>G on the coding strand, the complement: PRKDC is on the minus strand). VCF-style: chr8-47897217-G-C. GRCh37 (hg19) VCF-style: chr8-48809777-G-C.
Other names: c.3542C>G, p.Thr1181Arg (NM_001081640.2); short protein forms T1181R.
Identifiers: ClinVar variation 947056 (VCV000947056.4), dbSNP rs1159656625, ClinGen allele CA371153576.

ClinVar aggregate classification (germline): Uncertain significance (1 of 4 stars; one submission).

Conditions:
Severe combined immunodeficiency due to DNA-PKcs deficiency. Also called: IMMUNODEFICIENCY 26 WITH NEUROLOGIC ABNORMALITIES; Immunodeficiency 26 with or without neurologic abnormalities. Identifiers: Orphanet 317425, MedGen C4014833, MONDO:0014423, OMIM 615966.

Allele frequency attached by ClinVar (database versions not stated): gnomAD exomes below 0.00001.

Submission:

Labcorp Genetics (formerly Invitae), Labcorp
Classification: Uncertain significance for Severe combined immunodeficiency due to DNA-PKcs deficiency. Last evaluated: 2021-09-26. Review status: criteria provided, single submitter. Criteria: Invitae Variant Classification Sherloc (09022015). Collection method: clinical testing. Allele origin: germline.
Comment: This sequence change replaces threonine with arginine at codon 1181 of the PRKDC protein (p.Thr1181Arg). The threonine residue is highly conserved and there is a moderate physicochemical difference between threonine and arginine. This variant is not present in population databases (ExAC no frequency). This variant has not been reported in the literature in individuals affected with PRKDC-related conditions. Algorithms developed to predict the effect of missense changes on protein structure and function are either unavailable or do not agree on the potential impact of this missense change (SIFT: "Not Available"; PolyPhen-2: "Not Available"; Align-GVGD: "Not Available"). In summary, the available evidence is currently insufficient to determine the role of this variant in disease. Therefore, it has been classified as a Variant of Uncertain Significance.